The following is an entry in ClinVar:

NM_032620.4(GTPBP3):c.985G>C (p.Ala329Pro)

Gene: GTPBP3 (GTP binding protein 3, mitochondrial; plus strand). Cytogenetic location: 19p13.11.
Variant type: single nucleotide variant.
Coding change: c.985G>C on transcript NM_032620.4 (MANE Select); coding-DNA position 985, G replaced by C.
Protein change: p.Ala329Pro; replaces alanine 329 with proline.
Molecular consequence: missense variant. On other transcripts: intron variant (1).
Genome position (GRCh38, 1-based): chr19:17,341,054, G>C. VCF-style: chr19-17341054-G-C. GRCh37 (hg19) VCF-style: chr19-17451863-G-C.
Other names: c.1051G>C, p.Ala351Pro (NM_001195422.1); c.1081G>C, p.Ala361Pro (NM_133644.4); c.975-53G>C (NM_001128855.3); short protein forms A361P, A329P, A351P.
Identifiers: ClinVar variation 2053706 (VCV002053706.4), dbSNP rs1225868306, ClinGen allele CA404738562.

ClinVar aggregate classification (germline): Uncertain significance (1 of 4 stars; one submission).

Allele frequency attached by ClinVar (database versions not stated): TOPMed below 0.00001.

Submission:

Labcorp Genetics (formerly Invitae), Labcorp
Classification: Uncertain significance. Last evaluated: 2021-12-22. Review status: criteria provided, single submitter. Criteria: Invitae Variant Classification Sherloc (09022015). Collection method: clinical testing. Allele origin: germline.
Comment: This sequence change replaces alanine, which is neutral and non-polar, with proline, which is neutral and non-polar, at codon 361 of the GTPBP3 protein (p.Ala361Pro). This variant is not present in population databases (gnomAD no frequency). This variant has not been reported in the literature in individuals affected with GTPBP3-related conditions. Algorithms developed to predict the effect of missense changes on protein structure and function are either unavailable or do not agree on the potential impact of this missense change (SIFT: "Deleterious"; PolyPhen-2: "Benign"; Align-GVGD: "Class C0"). In summary, the available evidence is currently insufficient to determine the role of this variant in disease. Therefore, it has been classified as a Variant of Uncertain Significance.